The following is an entry in ClinVar:

ClinVar aggregate classification (germline): Uncertain significance. Review status: criteria provided, multiple submitters, no conflicts (2 of 4 stars). 3 submissions from 3 submitters: Uncertain significance (3). Last evaluated 2024-11-06.

Conditions:
Inborn genetic diseases. Identifiers: MedGen C0950123, MeSH D030342.
Immunodeficiency 104. Also called: Severe combined immunodeficiency, autosomal recessive, T cell-negative, B cell-positive, NK cell-positive; Severe Combined Immune Deficiency, Autosomal Recessive, TCell -Negative, B Cell-Positive, NK Cell-Positive, IL7R-Related; SCID, AUTOSOMAL RECESSIVE, T CELL-NEGATIVE, B CELL-POSITIVE, NK CELL-POSITIVE; IMMUNODEFICIENCY 104, SEVERE COMBINED. Identifiers: MedGen C5676890, MONDO:0012163, OMIM 608971.

Allele frequency attached by ClinVar (database versions not stated): ExAC 0.00003; gnomAD 0.00005; gnomAD exomes 0.00006; TOPMed 0.00006; ESP Exome Variant Server 0.00008.
gnomAD v4.1: 88 of 1,611,328 alleles (0.0055%); highest among the groups gnomAD compares: East Asian, 0.016%; no homozygotes.

Submissions (3):

Blueprint Genetics
Classification: Uncertain significance. Last evaluated: 2024-11-06. Review status: criteria provided, single submitter. Criteria: ACMG Guidelines, 2015. Collection method: clinical testing. Allele origin: germline.

Labcorp Genetics (formerly Invitae), Labcorp
Classification: Uncertain significance for Immunodeficiency 104. Last evaluated: 2022-07-14. Review status: criteria provided, single submitter. Criteria: Invitae Variant Classification Sherloc (09022015). Collection method: clinical testing. Allele origin: germline.
Comment: This sequence change replaces asparagine, which is neutral and polar, with serine, which is neutral and polar, at codon 843 of the PTPRC protein (p.Asn843Ser). This variant is present in population databases (rs143328050, gnomAD 0.02%). This variant has not been reported in the literature in individuals affected with PTPRC-related conditions. Algorithms developed to predict the effect of missense changes on protein structure and function (SIFT, PolyPhen-2, Align-GVGD) all suggest that this variant is likely to be disruptive. In summary, the available evidence is currently insufficient to determine the role of this variant in disease. Therefore, it has been classified as a Variant of Uncertain Significance.

Ambry Genetics
Classification: Uncertain significance for Inborn genetic diseases. Last evaluated: 2022-01-27. Review status: criteria provided, single submitter. Criteria: Ambry Variant Classification Scheme 2023. Collection method: clinical testing. Allele origin: germline.

NM_002838.5(PTPRC):c.2528A>G (p.Asn843Ser)

Gene: PTPRC (protein tyrosine phosphatase receptor type C; plus strand). Cytogenetic location: 1q32.1.
Variant type: single nucleotide variant.
Coding change: c.2528A>G on transcript NM_002838.5 (MANE Select); coding-DNA position 2528, A replaced by G.
Protein change: p.Asn843Ser; replaces asparagine 843 with serine.
Molecular consequence: missense variant.
Genome position (GRCh38, 1-based): chr1:198,741,993, A>G. VCF-style: chr1-198741993-A-G. GRCh37 (hg19) VCF-style: chr1-198711122-A-G.
Other names: c.2045A>G, p.Asn682Ser (NM_080921.4); c.2522A>G (NM_002838.3); short protein forms N682S, N843S.
Identifiers: ClinVar variation 2378501 (VCV002378501.8), dbSNP rs143328050, ClinGen allele CA1315137.